The following is an entry in ClinVar:

NM_006393.3(NEBL):c.599G>A (p.Gly200Glu)

Gene: NEBL (nebulette; minus strand). Cytogenetic location: 10p12.31.
Variant type: single nucleotide variant.
Coding change: c.599G>A on transcript NM_006393.3 (MANE Select); coding-DNA position 599, G replaced by A.
Protein change: p.Gly200Glu; replaces glycine 200 with glutamic acid.
Molecular consequence: missense variant. On other transcripts: intron variant (9).
Genome position (GRCh38, 1-based): chr10:20,868,749, C>T on the plus strand (G>A on the coding strand, the complement: NEBL is on the minus strand). VCF-style: chr10-20868749-C-T. GRCh37 (hg19) VCF-style: chr10-21157678-C-T.
Other names: c.250-55809G>A (NM_001377326.1, NM_001377327.1, NM_001377328.1); c.358-55809G>A (NM_213569.2, NM_001173484.2, NM_001377322.1); c.301-55809G>A (NM_001377324.1); c.292-55809G>A (NM_001377325.1); c.310-55809G>A (NM_001377323.1); short protein forms G200E.
Identifiers: ClinVar variation 3878625 (VCV003878625.1).

ClinVar aggregate classification (germline): Uncertain significance (1 of 4 stars; one submission).

gnomAD v4.1: 1 of 1,607,462 alleles (0.000062%); highest among the groups gnomAD compares: Admixed American, 0.0017%; no homozygotes.

Submission:

Ambry Genetics
Classification: Uncertain significance. Last evaluated: 2025-02-13. Review status: criteria provided, single submitter. Criteria: Ambry Variant Classification Scheme 2023. Collection method: clinical testing. Allele origin: germline.
Comment: The p.G200E variant (also known as c.599G>A), located in coding exon 7 of the NEBL gene, results from a G to A substitution at nucleotide position 599. The glycine at codon 200 is replaced by glutamic acid, an amino acid with similar properties. This amino acid position is conserved. In addition, this alteration is predicted to be tolerated by in silico analysis. Based on the available evidence, the clinical significance of this variant remains unclear.